The following is an entry in ClinVar:

NM_001297595.2(SIN3B):c.1807-3C>G

Gene: SIN3B (SIN3 transcription regulator family member B; plus strand). Cytogenetic location: 19p13.11.
Variant type: single nucleotide variant.
Coding change: c.1807-3C>G on transcript NM_001297595.2 (MANE Select); 3 bases into the intron before coding-DNA position 1807, C replaced by G.
Molecular consequence: intron variant.
Genome position (GRCh38, 1-based): chr19:16,869,457, C>G. VCF-style: chr19-16869457-C-G. GRCh37 (hg19) VCF-style: chr19-16980268-C-G.
Other names: c.1903-3C>G (NM_015260.4); c.577-3C>G (NM_001297597.2).
Identifiers: ClinVar variation 5002970 (VCV005002970.1).

ClinVar aggregate classification (germline): Uncertain significance (1 of 4 stars; one submission).

Submission:

OLLIN Analises Genomicas, OLLIN
Classification: Uncertain significance. Last evaluated: 2026-08-06. Review status: criteria provided, single submitter. Criteria: ACMG Guidelines 2015 PMID 25741868. Collection method: clinical testing. Allele origin: germline.
Comment: This variant is absent from gnomAD and ClinVar and has not been found in the scientific literature. According to the currently available evidence, this variant has been classified as uncertain significance (PM2_P, PP3).